The following is an entry in ClinVar:

ClinVar aggregate classification (germline): Pathogenic (1 of 4 stars; one submission).

Submission:

GeneDx
Classification: Pathogenic. Last evaluated: 2025-05-21. Review status: criteria provided, single submitter. Criteria: GeneDx Variant Classification Process June 2021. Collection method: clinical testing. Allele origin: germline. Affected: yes.
Comment: Not observed at significant frequency in large population cohorts (gnomAD); In silico analysis supports a deleterious effect on splicing; This variant is associated with the following publications: (PMID: 33453472)

NM_000430.4(PAFAH1B1):c.1159+6T>C

Gene: PAFAH1B1 (platelet activating factor acetylhydrolase 1b regulatory subunit 1; plus strand). Cytogenetic location: 17p13.3.
Variant type: single nucleotide variant.
Coding change: c.1159+6T>C on transcript NM_000430.4 (MANE Select); 6 bases into the intron after coding-DNA position 1159, T replaced by C.
Molecular consequence: intron variant.
Genome position (GRCh38, 1-based): chr17:2,680,326, T>C. VCF-style: chr17-2680326-T-C. GRCh37 (hg19) VCF-style: chr17-2583620-T-C.
Identifiers: ClinVar variation 4530819 (VCV004530819.1).